The following is an entry in ClinVar:

ClinVar aggregate classification (germline): Uncertain significance. Review status: criteria provided, multiple submitters, no conflicts (2 of 4 stars). 2 submissions from 2 submitters: Uncertain significance (2). Last evaluated 2025-11-04.

Allele frequency attached by ClinVar (database versions not stated): TOPMed below 0.00001; gnomAD exomes 0.00001.
gnomAD v4.1: 7 of 1,612,922 alleles (0.00043%); highest among the groups gnomAD compares: Non-Finnish European, 0.00059%; no homozygotes.

Submissions (2):

Labcorp Genetics (formerly Invitae), Labcorp
Classification: Uncertain significance. Last evaluated: 2025-11-04. Review status: criteria provided, single submitter. Criteria: Invitae Variant Classification Sherloc (09022015). Collection method: clinical testing. Allele origin: germline.
Comment: This sequence change replaces proline, which is neutral and non-polar, with arginine, which is basic and polar, at codon 1296 of the LRP5 protein (p.Pro1296Arg). This variant is not present in population databases (gnomAD no frequency). This variant has not been reported in the literature in individuals affected with LRP5-related conditions. ClinVar contains an entry for this variant (Variation ID: 1058792). Invitae Evidence Modeling of protein sequence and biophysical properties (such as structural, functional, and spatial information, amino acid conservation, physicochemical variation, residue mobility, and thermodynamic stability) has been performed for this missense variant. However, the output from this modeling did not meet the statistical confidence thresholds required to predict the impact of this variant on LRP5 protein function. In summary, the available evidence is currently insufficient to determine the role of this variant in disease. Therefore, it has been classified as a Variant of Uncertain Significance.

Blueprint Genetics
Classification: Uncertain significance. Last evaluated: 2020-03-13. Review status: criteria provided, single submitter. Criteria: ACMG Guidelines, 2015. Collection method: clinical testing. Allele origin: germline.

NM_002335.4(LRP5):c.3887C>G (p.Pro1296Arg)

Gene: LRP5 (LDL receptor related protein 5; plus strand). Cytogenetic location: 11q13.2.
Variant type: single nucleotide variant.
Coding change: c.3887C>G on transcript NM_002335.4 (MANE Select); coding-DNA position 3887, C replaced by G.
Protein change: p.Pro1296Arg; replaces proline 1296 with arginine.
Molecular consequence: missense variant.
Genome position (GRCh38, 1-based): chr11:68,433,725, C>G. VCF-style: chr11-68433725-C-G. GRCh37 (hg19) VCF-style: chr11-68201193-C-G.
Other names: c.2144C>G, p.Pro715Arg (NM_001291902.2); short protein forms P1296R, P715R.
Identifiers: ClinVar variation 1058792 (VCV001058792.10), dbSNP rs2098673260, ClinGen allele CA381613837.
Genomic context (GRCh38, chr11:68,433,725, plus strand): 5'-GGGCCTGGCGCTGTGACGGCTTTCCCGAGTGCGATGACCAGAGCGACGAGGAGGGCTGCC[C>G]CGTGTGCTCCGCCGCCCAGTTCCCCTGCGCGCGGGGTCAGTGTGTGGACCTGCGCCTGCG-3'
Protein context (NP_002326.2, residues 1286-1306): CDDQSDEEGC[Pro1296Arg]VCSAAQFPCA